The following is an entry in ClinVar:

ClinVar aggregate classification (germline): Likely pathogenic (1 of 4 stars; one submission).

Submission:

Labcorp Genetics (formerly Invitae), Labcorp
Classification: Likely pathogenic. Last evaluated: 2023-10-24. Review status: criteria provided, single submitter. Criteria: Invitae Variant Classification Sherloc (09022015). Collection method: clinical testing. Allele origin: germline.
Comment: This sequence change affects a donor splice site in intron 48 of the MYO7A gene. While this variant is not anticipated to result in nonsense mediated decay, it likely alters RNA splicing and results in a disrupted protein product. This variant is not present in population databases (gnomAD no frequency). Disruption of this splice site has been observed in individual(s) with autosomal recessive MYO7A-related conditions (PMID: 35640668; Invitae). Variants that disrupt the consensus splice site are a relatively common cause of aberrant splicing (PMID: 17576681, 9536098). Algorithms developed to predict the effect of sequence changes on RNA splicing suggest that this variant may disrupt the consensus splice site. This variant disrupts a region of the MYO7A protein in which other variant(s) (p.Leu2193Phe) have been observed in individuals with MYO7A-related conditions (PMID: 22135276). This suggests that this is a clinically significant region of the protein, and that variants that disrupt it are likely to be disease-causing. In summary, the currently available evidence indicates that the variant is pathogenic, but additional data are needed to prove that conclusively. Therefore, this variant has been classified as Likely Pathogenic.

Literature cited by the submitters: PubMed 35640668; PubMed 17576681; PubMed 9536098; PubMed 22135276.

NM_000260.4(MYO7A):c.6558+1G>A

Gene: MYO7A (myosin VIIA; plus strand). Cytogenetic location: 11q13.5.
Variant type: single nucleotide variant.
Coding change: c.6558+1G>A on transcript NM_000260.4 (MANE Select); the canonical splice donor site of the intron after coding-DNA position 6558, G replaced by A.
Molecular consequence: splice donor variant.
Genome position (GRCh38, 1-based): chr11:77,213,980, G>A. VCF-style: chr11-77213980-G-A. GRCh37 (hg19) VCF-style: chr11-76925025-G-A.
Other names: c.6411+1G>A (NM_001369365.1); c.6438+1G>A (NM_001127180.2).
Identifiers: ClinVar variation 2791894 (VCV002791894.3), dbSNP rs1328009205, ClinGen allele CA381938401.